The following is an entry in ClinVar:

ClinVar aggregate classification (germline): Uncertain significance. Review status: criteria provided, multiple submitters, no conflicts (2 of 4 stars). 4 submissions from 4 submitters: Uncertain significance (3). 1 of the submissions does not count toward it. Last evaluated 2024-10-21.

Conditions:
Inborn genetic diseases. Identifiers: MedGen C0950123, MeSH D030342.
Leber congenital amaurosis 5 (LCA5). Also called: Amaurosis congenita of Leber, type 5. Identifiers: Orphanet 65, MedGen C1858301, MONDO:0011473, OMIM 604537.

gnomAD v4.1: 8 of 1,613,542 alleles (0.0005%); highest among the groups gnomAD compares: South Asian, 0.0055%; no homozygotes.

Submissions (4):

Ambry Genetics
Classification: Uncertain significance for Inborn genetic diseases. Last evaluated: 2024-10-21. Review status: criteria provided, single submitter. Criteria: Ambry Variant Classification Scheme 2023. Collection method: clinical testing. Allele origin: germline.

Labcorp Genetics (formerly Invitae), Labcorp
Classification: Uncertain significance. Last evaluated: 2024-06-17. Review status: criteria provided, single submitter. Criteria: Invitae Variant Classification Sherloc (09022015). Collection method: clinical testing. Allele origin: germline.
Comment: This sequence change replaces arginine, which is basic and polar, with lysine, which is basic and polar, at codon 669 of the LCA5 protein (p.Arg669Lys). This variant is present in population databases (no rsID available, gnomAD 0.007%). This variant has not been reported in the literature in individuals affected with LCA5-related conditions. Algorithms developed to predict the effect of missense changes on protein structure and function output the following: SIFT: "Not Available"; PolyPhen-2: "Benign"; Align-GVGD: "Not Available". The lysine amino acid residue is found in multiple mammalian species, which suggests that this missense change does not adversely affect protein function. In summary, the available evidence is currently insufficient to determine the role of this variant in disease. Therefore, it has been classified as a Variant of Uncertain Significance.

ARUP Laboratories, Molecular Genetics and Genomics, ARUP Laboratories
Classification: Uncertain significance for Leber congenital amaurosis 5. Last evaluated: 2019-01-03. Review status: criteria provided, single submitter. Criteria: ARUP Molecular Germline Variant Investigation Process. Collection method: clinical testing. Allele origin: germline.
Comment: The LCA5 c.2006G>A; p.Arg669Lys variant (rs371733166), to our knowledge, is not reported in the medical literature or gene-specific databases. The variant is listed in the general population with an allele frequency of 0.0008% (2/251158 alleles) in the Genome Aggregation Database. The arginine at this position is moderately conserved and computational analyses (PolyPhen-2, SIFT) predict this variant is deleterious. However, most pathogenic LCA5 variants are truncating (Mackay 2013). Considering available information, the clinical significance of this variant cannot be determined with certainty. References: Mackay DS et al. Screening of a large cohort of leber congenital amaurosis and retinitis pigmentosa patients identifies novel LCA5 mutations and new genotype-phenotype correlations. Hum Mutat. 2013 Nov;34(11):1537-1546.

Natera, Inc.
Classification: Uncertain significance for Leber congenital amaurosis type 5. Last evaluated: 2020-09-23. Review status: no assertion criteria provided. Collection method: clinical testing. Allele origin: germline. Not counted in ClinVar's aggregate classification.

NM_001122769.3(LCA5):c.2006G>A (p.Arg669Lys)

Gene: LCA5 (lebercilin LCA5; minus strand). Cytogenetic location: 6q14.1.
Variant type: single nucleotide variant.
Coding change: c.2006G>A on transcript NM_001122769.3 (MANE Select); coding-DNA position 2006, G replaced by A.
Protein change: p.Arg669Lys; replaces arginine 669 with lysine.
Molecular consequence: missense variant.
Genome position (GRCh38, 1-based): chr6:79,487,092, C>T on the plus strand (G>A on the coding strand, the complement: LCA5 is on the minus strand). VCF-style: chr6-79487092-C-T. GRCh37 (hg19) VCF-style: chr6-80196809-C-T.
Other names: c.2006G>A (NM_181714.3); c.2006G>A, p.Arg669Lys (NM_181714.4); short protein forms R669K.
Identifiers: ClinVar variation 811180 (VCV000811180.19), dbSNP rs371733166, ClinGen allele CA364636818.